The following is an entry in ClinVar:

NM_201548.5(CERKL):c.1579G>A (p.Glu527Lys)

Genes: CERKL (CERK like autophagy regulator; minus strand), ITGA4 (integrin subunit alpha 4; plus strand). Cytogenetic location: 2q31.3.
Variant type: single nucleotide variant.
Coding change: c.1579G>A on transcript NM_201548.5 (MANE Select); coding-DNA position 1579, G replaced by A.
Protein change: p.Glu527Lys; replaces glutamic acid 527 with lysine.
Molecular consequence: missense variant. On other transcripts: 3 prime UTR variant (1), non-coding transcript variant (2).
Genome position (GRCh38, 1-based): chr2:181,538,204, C>T on the plus strand (G>A on the coding strand, the complement: CERKL is on the minus strand). VCF-style: chr2-181538204-C-T. GRCh37 (hg19) VCF-style: chr2-182402931-C-T.
Other names: c.*2677C>T (NM_000885.6); c.1657G>A, p.Glu553Lys (NM_001030311.3); c.1240G>A, p.Glu414Lys (NM_001030312.3); c.1372G>A, p.Glu458Lys (NM_001030313.3); c.1525G>A, p.Glu509Lys (NM_001160277.2); short protein forms E414K, E458K, E553K, E509K, E527K.
Identifiers: ClinVar variation 2162884 (VCV002162884.5), dbSNP rs753367773, ClinGen allele CA2010373.

ClinVar aggregate classification (germline): Uncertain significance. Review status: criteria provided, multiple submitters, no conflicts (2 of 4 stars). 3 submissions from 3 submitters: Uncertain significance (3). Last evaluated 2024-12-02.

Conditions:
Inborn genetic diseases. Identifiers: MedGen C0950123, MeSH D030342.

gnomAD v4.1: 28 of 1,584,180 alleles (0.0018%); highest among the groups gnomAD compares: Middle Eastern, 0.039%; no homozygotes.

Submissions (3):

Labcorp Genetics (formerly Invitae), Labcorp
Classification: Uncertain significance. Last evaluated: 2024-12-02. Review status: criteria provided, single submitter. Criteria: Invitae Variant Classification Sherloc (09022015). Collection method: clinical testing. Allele origin: germline.
Comment: This sequence change replaces glutamic acid, which is acidic and polar, with lysine, which is basic and polar, at codon 553 of the CERKL protein (p.Glu553Lys). This variant is present in population databases (rs753367773, gnomAD 0.004%). This variant has not been reported in the literature in individuals affected with CERKL-related conditions. ClinVar contains an entry for this variant (Variation ID: 2162884). Invitae Evidence Modeling of protein sequence and biophysical properties (such as structural, functional, and spatial information, amino acid conservation, physicochemical variation, residue mobility, and thermodynamic stability) indicates that this missense variant is not expected to disrupt CERKL protein function with a negative predictive value of 95%. In summary, the available evidence is currently insufficient to determine the role of this variant in disease. Therefore, it has been classified as a Variant of Uncertain Significance.

Blueprint Genetics
Classification: Uncertain significance. Last evaluated: 2024-03-08. Review status: criteria provided, single submitter. Criteria: ACMG Guidelines, 2015. Collection method: clinical testing. Allele origin: germline.

Ambry Genetics
Classification: Uncertain significance for Inborn genetic diseases. Last evaluated: 2023-04-20. Review status: criteria provided, single submitter. Criteria: Ambry Variant Classification Scheme 2023. Collection method: clinical testing. Allele origin: germline.